The following is an entry in ClinVar:

NM_000051.4(ATM):c.504C>G (p.Phe168Leu)

Gene: ATM (ATM serine/threonine kinase; plus strand). Cytogenetic location: 11q22.3.
Variant type: single nucleotide variant.
Coding change: c.504C>G on transcript NM_000051.4 (MANE Select); coding-DNA position 504, C replaced by G.
Protein change: p.Phe168Leu; replaces phenylalanine 168 with leucine.
Molecular consequence: missense variant.
Genome position (GRCh38, 1-based): chr11:108,243,960, C>G. VCF-style: chr11-108243960-C-G. GRCh37 (hg19) VCF-style: chr11-108114687-C-G.
Other names: c.504C>G, p.Phe168Leu (NM_001351834.2); short protein forms F168L.
Identifiers: ClinVar variation 490603 (VCV000490603.21), dbSNP rs1060504312, ClinGen allele CA382527455.
Genomic context (GRCh38, chr11:108,243,960, plus strand): 5'-ATACATTTTGATTTTTAAAAAATCATGACTAATAATTTTTTTTTTTTTTTAAGAATTGTT[C>G]TCTGTGTACTTCAGGCTCTATCTGAAACCTTCACAAGATGTTCATAGAGTTTTAGTGGCT-3'
Protein context (NP_000042.3, residues 158-178): EISQQQWLEL[Phe168Leu]SVYFRLYLKP

ClinVar aggregate classification (germline): Uncertain significance. Review status: criteria provided, multiple submitters, no conflicts (2 of 4 stars). 5 submissions from 5 submitters: Uncertain significance (4). 1 of the submissions does not count toward it. Last evaluated 2025-07-28.

Conditions:
Hereditary cancer-predisposing syndrome. Also called: Tumor predisposition; Neoplastic Syndromes, Hereditary; Hereditary Cancer Syndrome; Hereditary neoplastic syndrome. Identifiers: Orphanet 140162, MedGen C0027672, MeSH D009386, MONDO:0015356.
Familial cancer of breast. Also called: BREAST CANCER, FAMILIAL; hereditary breast carcinoma; Hereditary breast cancer. Identifiers: Orphanet 227535, MedGen C0346153, MONDO:0016419, OMIM 114480. Disease mechanism: loss of function.
Ataxia-telangiectasia syndrome (AT). Also called: Ataxia-telangiectasia; Ataxia-telangiectasia, complementation group D; AT, COMPLEMENTATION GROUP C; LOUIS-BAR SYNDROME; Cerebello-oculocutaneous telangiectasia; Immunodeficiency with ataxia telangiectasia. Identifiers: Orphanet 100, MedGen C0004135, MONDO:0008840, OMIM 208900.

Allele frequency attached by ClinVar (database versions not stated): gnomAD 0.00001 and 0.00002; TOPMed 0.00001.
gnomAD v4.1: 2 of 1,543,866 alleles (0.00013%); highest among the groups gnomAD compares: African/African-American, 0.0029%; no homozygotes.

Submissions (5):

Ambry Genetics
Classification: Uncertain significance for Hereditary cancer-predisposing syndrome. Last evaluated: 2025-07-28. Review status: criteria provided, single submitter. Criteria: Ambry Variant Classification Scheme 2023. Collection method: clinical testing. Allele origin: germline.
Comment: The p.F168L variant (also known as c.504C>G), located in coding exon 5 of the ATM gene, results from a C to G substitution at nucleotide position 504. The phenylalanine at codon 168 is replaced by leucine, an amino acid with highly similar properties. This amino acid position is not well conserved in available vertebrate species. In addition, this alteration is predicted to be tolerated by in silico analysis. Since supporting evidence is limited at this time, the clinical significance of this alteration remains unclear.

Labcorp Genetics (formerly Invitae), Labcorp
Classification: Uncertain significance for Ataxia-telangiectasia syndrome. Last evaluated: 2024-08-07. Review status: criteria provided, single submitter. Criteria: Invitae Variant Classification Sherloc (09022015). Collection method: clinical testing. Allele origin: germline.
Comment: This sequence change replaces phenylalanine, which is neutral and non-polar, with leucine, which is neutral and non-polar, at codon 168 of the ATM protein (p.Phe168Leu). This variant is not present in population databases (gnomAD no frequency). This variant has not been reported in the literature in individuals affected with ATM-related conditions. ClinVar contains an entry for this variant (Variation ID: 490603). An algorithm developed to predict the effect of missense changes on protein structure and function outputs the following: PolyPhen-2: "Benign". The leucine amino acid residue is found in multiple mammalian species, which suggests that this missense change does not adversely affect protein function. RNA analysis performed to evaluate the impact of this missense change on mRNA splicing indicates it does not significantly alter splicing (Invitae). In summary, the available evidence is currently insufficient to determine the role of this variant in disease. Therefore, it has been classified as a Variant of Uncertain Significance.

Baylor Genetics
Classification: Uncertain significance for Familial cancer of breast. Last evaluated: 2024-02-16. Review status: criteria provided, single submitter. Criteria: ACMG Guidelines, 2015. Collection method: clinical testing. Allele origin: unknown.

Color Diagnostics, LLC DBA Color Health
Classification: Uncertain significance for Hereditary cancer-predisposing syndrome. Last evaluated: 2023-12-05. Review status: criteria provided, single submitter. Criteria: ACMG Guidelines, 2015. Collection method: clinical testing. Allele origin: germline.
Comment: This missense variant replaces phenylalanine with leucine at codon 168 of the ATM protein. Computational prediction suggests that this variant may not impact protein structure and function (internally defined REVEL score threshold <= 0.5, PMID: 27666373). To our knowledge, functional studies have not been reported for this variant. This variant has not been reported in individuals affected with ATM-related disorders in the literature. This variant has not been identified in the general population by the Genome Aggregation Database (gnomAD). The available evidence is insufficient to determine the role of this variant in disease conclusively. Therefore, this variant is classified as a Variant of Uncertain Significance.

Natera, Inc.
Classification: Uncertain significance for Ataxia-telangiectasia. Last evaluated: 2020-05-18. Review status: no assertion criteria provided. Collection method: clinical testing. Allele origin: germline. Not counted in ClinVar's aggregate classification.